The following is an entry in ClinVar:

ClinVar aggregate classification (germline): Uncertain significance. Review status: criteria provided, single submitter (1 of 4 stars). 2 submissions from 2 submitters: Uncertain significance (1). 1 of the submissions does not count toward it. Last evaluated 2025-10-17.

Conditions:
Junctional epidermolysis bullosa. Identifiers: Orphanet 305, MedGen C0079301, MONDO:0017612.
Junctional epidermolysis bullosa gravis of Herlitz. Also called: Epidermolysis Bullosa Letalis; Herlitz-type junctional epidermolysis bullosa; EPIDERMOLYSIS BULLOSA JUNCTIONALIS, HERLITZ TYPE; EPIDERMOLYSIS BULLOSA, JUNCTIONAL, HERLITZ-PEARSON TYPE; JEB-HERLITZ TYPE; EPIDERMOLYSIS BULLOSA, JUNCTIONAL 1B, SEVERE. Identifiers: Orphanet 79404, MedGen C0079683, MONDO:0009182, OMIM 226700.

Allele frequency attached by ClinVar (database versions not stated): gnomAD exomes below 0.00001.
gnomAD v4.1: 2 of 1,555,384 alleles (0.00013%); highest among the groups gnomAD compares: Non-Finnish European, 0.00018%; no homozygotes.

Submissions (2):

Myriad Genetics, Inc.
Classification: Uncertain significance for Junctional epidermolysis bullosa. Last evaluated: 2025-10-17. Review status: criteria provided, single submitter. Criteria: Myriad Autosomal Dominant, Autosomal Recessive and X-Linked Classification Criteria (2023). Collection method: clinical testing. Allele origin: unknown.
Comment: NM_000227.3(LAMA3):c.1491+2T>C is a variant in a canonical splice site classified as a variant of uncertain significance in the context of junctional epidermolysis bullosa, LAMA3-related. c.1491+2T>C has not been observed in cases with relevant disease. Relevant functional assessments of this variant are not available in the literature. c.1491+2T>C has not been observed in referenced population frequency databases. In summary, there is insufficient evidence to classify NM_000227.3(LAMA3):c.1491+2T>C as pathogenic or benign. Please note: this variant was assessed in the context of healthy population screening.

Counsyl
Classification: Likely pathogenic for Junctional epidermolysis bullosa gravis of Herlitz. Last evaluated: 2015-12-09. Review status: no assertion criteria provided. Collection method: clinical testing. Allele origin: unknown. Not counted in ClinVar's aggregate classification.

NM_198129.4(LAMA3):c.6318+2T>C

Gene: LAMA3 (laminin subunit alpha 3; plus strand). Cytogenetic location: 18q11.2.
Variant type: single nucleotide variant.
Coding change: c.6318+2T>C on transcript NM_198129.4 (MANE Select); the canonical splice donor site of the intron after coding-DNA position 6318, T replaced by C.
Molecular consequence: splice donor variant.
Genome position (GRCh38, 1-based): chr18:23,903,127, T>C. VCF-style: chr18-23903127-T-C. GRCh37 (hg19) VCF-style: chr18-21483091-T-C.
Other names: c.6150+2T>C (NM_001127717.4); c.1491+2T>C (NM_000227.6); c.1323+2T>C (NM_001127718.4).
Identifiers: ClinVar variation 370162 (VCV000370162.4), dbSNP rs1057516280, ClinGen allele CA16041935.
Genomic context (GRCh38, chr18:23,903,127, plus strand): 5'-CAGACTCATCTTTGTTGCAAACCAACATTGCGCTGCAGCTGATGGAGAAAAGCCAGAAGG[T>C]AGAGGAAATAGTTGTTCTCTAGAAAAATCTAAAAACATTTTAATTATATTGTGAGAAAAC-3'